The following is an entry in ClinVar:

NM_001243133.2(NLRP3):c.592G>A (p.Val198Met)

Gene: NLRP3 (NLR family pyrin domain containing 3; plus strand). Cytogenetic location: 1q44.
Variant type: single nucleotide variant.
Coding change: c.592G>A on transcript NM_001243133.2 (MANE Select); coding-DNA position 592, G replaced by A.
Protein change: p.Val198Met; replaces valine 198 with methionine.
Molecular consequence: missense variant.
Genome position (GRCh38, 1-based): chr1:247,424,041, G>A. VCF-style: chr1-247424041-G-A. GRCh37 (hg19) VCF-style: chr1-247587343-G-A.
Other names: c.592G>A, p.Val198Met (NM_001079821.3, NM_001127461.3, NM_001127462.3 and 1 more transcripts); c.598G>A, p.Val200Met (NM_004895.5); short protein forms V198M, V200M.
Identifiers: ClinVar variation 4371 (VCV000004371.91), dbSNP rs121908147, ClinGen allele CA280962.
Genomic context (GRCh38, chr1:247,424,041, plus strand): 5'-CAGCAGGAGAGGGAGCAGGAGCTTCTGGCCATCGGCAAGACCAAGACGTGTGAGAGCCCC[G>A]TGAGTCCCATTAAGATGGAGTTGCTGTTTGACCCCGATGATGAGCATTCTGAGCCTGTGC-3'
Protein context (NP_001230062.1, residues 188-208): IGKTKTCESP[Val198Met]SPIKMELLFD

ClinVar aggregate classification (germline): Conflicting classifications of pathogenicity. Review status: criteria provided, conflicting classifications (1 of 4 stars). 22 submissions from 19 submitters: Uncertain significance (9); Benign (2); Likely benign (8). 3 of the submissions do not count toward it. Last evaluated 2026-09-01.

Conditions:
Autoinflammatory syndrome. Identifiers: Orphanet 93665, MedGen C3890737, MONDO:0019751.
Kidney disorder. Also called: Kidney disease; Kidney Diseases; renal disease; Nephropathy; renal disorder. Identifiers: MedGen C0022658, MONDO:0005240, HP:0000112.
NLRP3-related disorder. Also called: NLRP3-related condition; NLRP3-Related Disorders.
Hearing loss, autosomal dominant 34, with or without inflammation. Also called: DEAFNESS, AUTOSOMAL DOMINANT 34, WITH OR WITHOUT INFLAMMATION. Identifiers: MedGen C4521680, MONDO:0033261, OMIM 617772.
Familial amyloid nephropathy with urticaria AND deafness (MWS). Also called: CRYOPYRIN-ASSOCIATED PERIODIC SYNDROME 2; UDA SYNDROME; URTICARIA-DEAFNESS-AMYLOIDOSIS SYNDROME; Urticaria, deafness and amyloidosis; MUCKLE-WELLS SYNDROME. Identifiers: Orphanet 575, MedGen C0268390, MONDO:0008633, OMIM 191900.
Keratitis fugax hereditaria. Also called: KERATOENDOTHELIITIS FUGAX HEREDITARIA. Identifiers: Orphanet 647815, MedGen C1835697, MONDO:0007849, OMIM 148200.
Chronic infantile neurological, cutaneous and articular syndrome (CINCA). Also called: CRYOPYRIN-ASSOCIATED PERIODIC SYNDROME 3; CHRONIC NEUROLOGIC CUTANEOUS AND ARTICULAR SYNDROME; CINCA syndrome; Prieur Griscelli syndrome. Identifiers: Orphanet 1451, MedGen C0409818, MONDO:0011776, OMIM 607115.
Familial cold autoinflammatory syndrome 1 (FCAS1). Also called: CRYOPYRIN-ASSOCIATED PERIODIC SYNDROME 1; Familial cold inflammatory syndrome 1. Identifiers: Orphanet 47045, MedGen C4551895, MONDO:0007349, OMIM 120100.
Cryopyrin associated periodic syndrome (CAPS). Identifiers: Orphanet 208650, MedGen C2316212, MONDO:0016168.

Allele frequency attached by ClinVar (database versions not stated): TOPMed 0.00581; 1000 Genomes Project 0.00399; gnomAD 0.00835; 1000 Genomes Project 30x 0.00390.

Submissions 1 to 12 of 22:

CeGaT Center for Human Genetics Tuebingen
Classification: Likely benign. Last evaluated: 2026-09-01. Review status: criteria provided, single submitter. Criteria: CeGaT Center For Human Genetics Tuebingen Variant Classification Criteria Version 2. Collection method: clinical testing. Allele origin: germline. Affected: yes. Observed: 50 variant alleles.
Comment: NLRP3: BP4

Women's Health and Genetics/Laboratory Corporation of America, LabCorp
Classification: Likely benign. Last evaluated: 2026-03-30. Review status: criteria provided, single submitter. Criteria: LabCorp Variant Classification Summary - May 2015. Collection method: clinical testing. Allele origin: germline.

Labcorp Genetics (formerly Invitae), Labcorp
Classification: Benign for Cryopyrin associated periodic syndrome. Last evaluated: 2026-02-03. Review status: criteria provided, single submitter. Criteria: Invitae Variant Classification Sherloc (09022015). Collection method: clinical testing. Allele origin: germline.

Mayo Clinic Laboratories, Mayo Clinic
Classification: Uncertain significance. Last evaluated: 2025-09-10. Review status: criteria provided, single submitter. Criteria: ACMG Guidelines, 2015. Collection method: clinical testing. Allele origin: germline. Observed: 15 variant alleles.
Comment: BS1, PP1

ARUP Laboratories, Molecular Genetics and Genomics, ARUP Laboratories
Classification: Uncertain significance. Last evaluated: 2025-06-17. Review status: criteria provided, single submitter. Criteria: ARUP Molecular Germline Variant Investigation Process 2024. Collection method: clinical testing. Allele origin: germline.
Comment: The NLRP3 c.598G>A; p.Val200Met variant (rs121908147, ClinVar variation ID: 4371), also known as V198M, is listed in the Genome Aggregation Database (v2.1.1) with an allele frequency of up to 2.3% (588/25096 alleles, including 6 homozygotes) in the European Finnish population. This variant is reported in the medical literature in individuals with familial cold-induced autoinflammatory syndrome (FCAS) (MIM:120100) and Muckle-Wells syndrome (MWS) (MIM:191900), both also known as cryopyrin-associated periodic syndromes (CAPS), as well as in patients with other autoinflammatory syndromes, acquired disorders including Schnitzler syndrome, and also in asymptomatic carriers (Aganna 2002, Hoffman 2001, Kilinc 2024, Kuemmerle-Deschner 2017, Rowczenio 2013, Torres 2018, Wu 2023, Yuksel 2014, Yun 2024). Since p.Val200Met presents with variable expressivity and reduced penetrance, this variant may contribute to the inflammatory diseases processes together with other, presently unidentified, genetic and environmental factors. However, the existence of individuals homozygous for the variant in control databases and the high population frequency suggest this variant is benign. Due to conflicting information, the clinical significance of the p.Val200Met variant is uncertain at this time. References: Aganna E et al. Association of mutations in the NALP3/CIAS1/PYPAF1 gene with a broad phenotype including recurrent fever, cold sensitivity, sensorineural deafness, and AA amyloidosis. Arthritis Rheum. 2002 46(9):2445-2452. PMID: 12355493 Hoffman HM et al. Mutation of a new gene encoding a putative pyrin-like protein causes familial cold autoinflamatory syndrome and Muckle-Wells syndrome. Nat Genet. 2001 29(3):301-305. PMID: 11687797. Kilinc OC et al. A rare case of uncharacterized autoinflammatory disease: Patient carrying variations in NLRP3 and TNFRSF1A genes. Am J Med Genet A. 2024 May 20:e63715. PMID: 38766920. Kuemmerle-Deschner JB et al. Clinical and Molecular Phenotypes of Low-Penetrance Variants of NLRP3: Diagnostic and Therapeutic Challenges. Arthritis Rheumatol. 2017 Nov;69(11):2233-2240. PMID: 28692792. Rowczenio DM et al. Clinical characteristics in subjects with NLRP3 V198M diagnosed at a single UK center and a review of the literature. Arthritis Res Ther. 2013 15(1):R30. PMID: 23421920 Torres A et al. De novo ATP1A3 and compound heterozygous NLRP3 mutations in a child with autism spectrum disorder, episodic fatigue and somnolence, and muckle-wells syndrome. Mol Genet Metab Rep. 2018 Jun 15;16:23-29. PMID: 29922587. Wu N et al. The phenotype and genotype of Chinese adult patients with NLRP3-associated autoinflammatory disease. Clin Rheumatol. 2023 Oct;42(10):2841-2848. PMID: 37368056. Yuksel S. et al. Novel NLRP3/cryopyrin mutations and pro-inflammatory cytokine profiles in Behcetâ€™s syndrome patients. Int Immunol. 2014 26(2):71-81. PMID: 24135410. Yun M et al. Genetic variations in NLRP3 and NLRP12 genes in adult-onset patients with autoinflammatory diseases: a comparative study. Front Immunol. 2024 Jan 26;14:1321370. PMID: 38343435.

Institute of Human Genetics, University of Leipzig Medical Center
Classification: Likely benign for Chronic infantile neurological, cutaneous and articular syndrome. Last evaluated: 2025-03-12. Review status: criteria provided, single submitter. Criteria: ACMG Guidelines, 2015. Collection method: clinical testing. Allele origin: unknown. Inheritance: Autosomal dominant inheritance. Affected: yes.
Comment: Criteria applied: BS1,BP4

Center for Genomic Medicine, Rigshospitalet, Copenhagen University Hospital
Classification: Uncertain significance. Last evaluated: 2025-03-04. Review status: criteria provided, single submitter. Criteria: ACMG Guidelines, 2015. Collection method: clinical testing. Allele origin: germline.

Blueprint Genetics
Classification: Likely benign. Last evaluated: 2024-11-26. Review status: criteria provided, single submitter. Criteria: ACMG Guidelines, 2015. Collection method: clinical testing. Allele origin: germline.

Mendelics
Classification: Benign for Familial cold autoinflammatory syndrome 1. Last evaluated: 2023-08-22. Review status: criteria provided, single submitter. Criteria: Mendelics Assertion Criteria 2019. Collection method: clinical testing. Allele origin: germline.

Genome Diagnostics Laboratory, The Hospital for Sick Children
Classification: Uncertain significance for Autoinflammatory syndrome. Last evaluated: 2022-04-25. Review status: criteria provided, single submitter. Criteria: ACMG Guidelines, 2015. Collection method: clinical testing. Allele origin: germline. Affected: yes.

Genome Diagnostics Laboratory, The Hospital for Sick Children
Classification: Uncertain significance for Kidney disorder. Last evaluated: 2021-12-02. Review status: criteria provided, single submitter. Criteria: ACMG Guidelines, 2015. Collection method: clinical testing. Allele origin: germline.

Athena Diagnostics
Classification: Uncertain significance. Last evaluated: 2020-07-10. Review status: criteria provided, single submitter. Criteria: Athena Diagnostics Criteria. Collection method: clinical testing. Allele origin: unknown.